The following is an entry in ClinVar:

ClinVar aggregate classification (germline): Pathogenic. Review status: criteria provided, multiple submitters, no conflicts (2 of 4 stars). 3 submissions from 3 submitters: Pathogenic (3). Last evaluated 2025-04-22.

Conditions:
RAI1-related disorder. Also called: RAI1-related condition.
Smith-Magenis syndrome (SMS). Also called: CHROMOSOME 17p11.2 DELETION SYNDROME. Identifiers: Orphanet 819, MedGen C0795864, MONDO:0008434, OMIM 182290.

Submissions (3):

PreventionGenetics, part of Exact Sciences
Classification: Pathogenic for RAI1-related condition. Last evaluated: 2025-04-22. Review status: criteria provided, single submitter. Criteria: ACMG Guidelines, 2015. Collection method: clinical testing. Allele origin: germline.
Comment: The RAI1 c.1810C>T variant is predicted to result in premature protein termination (p.Gln604*). This variant has been reported in an individual with Smith-Magenis syndrome (Table S1. Linders et al. 2023. PubMed ID: 37628566). This variant has not been reported in a large population database (gnomAD), indicating this variant is rare. Nonsense variants in RAI1 are expected to be pathogenic. This variant is interpreted as pathogenic.

Blueprint Genetics
Classification: Pathogenic for RAI1-related disorders. Last evaluated: 2024-09-17. Review status: criteria provided, single submitter. Criteria: ACMG Guidelines, 2015. Collection method: clinical testing. Allele origin: germline. Affected: yes. Observed: 1 variant allele.

Juno Genomics, Hangzhou Juno Genomics, Inc
Classification: Pathogenic for Smith-Magenis syndrome. Review status: criteria provided, single submitter. Criteria: ACMG Guidelines, 2015. Collection method: clinical testing. Allele origin: germline. Affected: yes.
Comment: Absent from controls (or at extremely low frequency if recessive) in Genome Aggregation Database, Exome Sequencing Project, 1000 Genomes Project, or Exome Aggregation Consortium.;Null variant in a gene where loss of function (LOF) is a known mechanism of disease.;Assumed de novo, but without confirmation of paternity and maternity.

NM_030665.4(RAI1):c.1810C>T (p.Gln604Ter)

Gene: RAI1 (retinoic acid induced 1; plus strand). Cytogenetic location: 17p11.2.
Variant type: single nucleotide variant.
Coding change: c.1810C>T on transcript NM_030665.4 (MANE Select); coding-DNA position 1810, C replaced by T.
Protein change: p.Gln604Ter; replaces glutamine 604 with a stop codon.
Molecular consequence: nonsense.
Genome position (GRCh38, 1-based): chr17:17,794,758, C>T. VCF-style: chr17-17794758-C-T. GRCh37 (hg19) VCF-style: chr17-17698072-C-T.
Other names: c.1810C>T (NM_030665.3); short protein forms Q604*.
Identifiers: ClinVar variation 3381888 (VCV003381888.4).